The following is an entry in ClinVar:

ClinVar aggregate classification (germline): Likely benign. Review status: criteria provided, multiple submitters, no conflicts (2 of 4 stars). 3 submissions from 3 submitters: Likely benign (2). 1 of the submissions does not count toward it. Last evaluated 2024-08-05.

Conditions:
PHOX2B-related disorder. Also called: PHOX2B-related condition.
Haddad syndrome (OHD). Also called: Ondine-Hirschsprung disease. Identifiers: Orphanet 99803, MedGen C1859049, MONDO:0020493.

Submissions (3):

Labcorp Genetics (formerly Invitae), Labcorp
Classification: Likely benign for Haddad syndrome. Last evaluated: 2024-08-05. Review status: criteria provided, single submitter. Criteria: Invitae Variant Classification Sherloc (09022015). Collection method: clinical testing. Allele origin: germline.

CeGaT Center for Human Genetics Tuebingen
Classification: Likely benign. Last evaluated: 2024-01-01. Review status: criteria provided, single submitter. Criteria: CeGaT Center For Human Genetics Tuebingen Variant Classification Criteria Version 2. Collection method: clinical testing. Allele origin: germline. Affected: yes. Observed: 1 variant allele.
Comment: PHOX2B: BS2

PreventionGenetics, part of Exact Sciences
Classification: Likely benign for PHOX2B-related condition. Last evaluated: 2020-06-05. Review status: no assertion criteria provided. Collection method: clinical testing. Allele origin: germline. Not counted in ClinVar's aggregate classification.
Comment: This variant is classified as likely benign based on ACMG/AMP sequence variant interpretation guidelines (Richards et al. 2015 PMID: 25741868, with internal and published modifications).

NM_003924.4(PHOX2B):c.735_767del (p.Ala250_Ala260del)

Genes: PHOX2B (paired like homeobox 2B; minus strand), LOC110011216 (paired like homeobox 2b polyalanine repeat instability region; plus strand). Cytogenetic location: 4p13.
Variant type: Deletion.
Coding change: c.735_767del on transcript NM_003924.4 (MANE Select); coding-DNA positions 735 to 767, 33 bases deleted.
Protein change: p.Ala250_Ala260del.
Molecular consequence: inframe deletion.
Genome position (GRCh38, 1-based): chr4:41,745,985-41,746,017, 33 bases deleted; deleting any 33 consecutive bases within chr4:41,745,985-41,746,025 gives the same sequence; the c. name uses the placement nearest the transcript's 3' end. GRCh37 (hg19): chr4:41,748,010-41,748,042.
Other names: c.735_767delGGCGGCCGCGGCAGCGGCGGCGGCGGCAGCGGC (NM_003924.3).
Identifiers: ClinVar variation 467741 (VCV000467741.31), dbSNP rs757850760, ClinGen allele CA2901433.
Genomic context (GRCh38, chr4:41,745,984, plus strand): 5'-GCCGGGAGCCCAGCCTTGTCCAGGGCCCCCAGCCGCAGCCAGGCCTCCAGCTGCCGCCGC[TGCCGCTGCCGCCGCCGCCGCTGCCGCGGCCGCC>T]GCCGCTGCTGCTGCGCCGCCCTTGCCGGGTTCGCCTCCCGGGCCCCCGGGCCCCGCCGCC-3'